The following is an entry in ClinVar:

ClinVar aggregate classification (germline): Uncertain significance (0 of 4 stars; one submission).

Conditions:
Carcinoma of colon (CRC). Also called: Colonic carcinoma; Colon carcinoma. Identifiers: MedGen C0699790, MONDO:0002032.

Allele frequency attached by ClinVar (database versions not stated): gnomAD exomes below 0.00001.
gnomAD v4.1: 3 of 1,614,202 alleles (0.00019%); highest among the groups gnomAD compares: Non-Finnish European, 0.00025%; no homozygotes.

Submission:

Immunobiology Lab; University of Kashmir
Classification: Uncertain significance for Carcinoma of colon. Last evaluated: 2015-01-24. Review status: no assertion criteria provided. Collection method: case-control. Allele origin: somatic. Affected: yes. Study: Mutational Hotspot profiling of Tyrosine Kinase domain of VEGF receptors in Human colorectal tumors.
Comment: The variation(s) were confirmed by double pass sequencing of PCR products amplified from genomic DNA of colonic lesions fron colorectal patients

NM_002253.4(KDR):c.3465G>A (p.Glu1155=)

Gene: KDR (kinase insert domain receptor; minus strand). Cytogenetic location: 4q12.
Variant type: single nucleotide variant.
Coding change: c.3465G>A on transcript NM_002253.4 (MANE Select); coding-DNA position 3465, G replaced by A.
Protein change: p.Glu1155=; no amino-acid change (glutamic acid 1155 retained).
Molecular consequence: synonymous variant.
Genome position (GRCh38, 1-based): chr4:55,088,913, C>T on the plus strand (G>A on the coding strand, the complement: KDR is on the minus strand). VCF-style: chr4-55088913-C-T. GRCh37 (hg19) VCF-style: chr4-55955080-C-T.
Other names: KT253191.
Identifiers: ClinVar variation 204337 (VCV000204337.3), dbSNP rs795939488, ClinGen allele CA251268.